The following is an entry in ClinVar:

NM_003002.4(SDHD):c.68C>G (p.Thr23Ser)

Gene: SDHD (succinate dehydrogenase complex subunit D; plus strand). Cytogenetic location: 11q23.1.
Variant type: single nucleotide variant.
Coding change: c.68C>G on transcript NM_003002.4 (MANE Select); coding-DNA position 68, C replaced by G.
Protein change: p.Thr23Ser; replaces threonine 23 with serine.
Molecular consequence: missense variant. On other transcripts: non-coding transcript variant (1), intron variant (1).
Genome position (GRCh38, 1-based): chr11:112,087,872, C>G. VCF-style: chr11-112087872-C-G. GRCh37 (hg19) VCF-style: chr11-111958596-C-G.
Other names: c.68C>G, p.Thr23Ser (NM_001276503.2, NM_001276506.2); c.52+913C>G (NM_001276504.2); short protein forms T23S.
Identifiers: ClinVar variation 3951430 (VCV003951430.1).

ClinVar aggregate classification (germline): Uncertain significance (1 of 4 stars; one submission).

Conditions:
Hereditary cancer-predisposing syndrome. Also called: Tumor predisposition; Hereditary neoplastic syndrome; Hereditary Cancer Syndrome; Neoplastic Syndromes, Hereditary. Identifiers: Orphanet 140162, MedGen C0027672, MeSH D009386, MONDO:0015356.

Submission:

Ambry Genetics
Classification: Uncertain significance for Hereditary cancer-predisposing syndrome. Last evaluated: 2025-06-02. Review status: criteria provided, single submitter. Criteria: Ambry Variant Classification Scheme 2023. Collection method: clinical testing. Allele origin: germline.
Comment: The p.T23S variant (also known as c.68C>G), located in coding exon 2 of the SDHD gene, results from a C to G substitution at nucleotide position 68. The threonine at codon 23 is replaced by serine, an amino acid with similar properties. This amino acid position is conserved. In addition, the in silico prediction for this alteration is inconclusive. Based on the available evidence, the clinical significance of this variant remains unclear.